The following is an entry in ClinVar:

ClinVar aggregate classification (germline): Uncertain significance (1 of 4 stars; one submission).

Conditions:
Cardiovascular phenotype. Identifiers: MedGen CN230736.

Allele frequency attached by ClinVar (database versions not stated): gnomAD exomes below 0.00001.
gnomAD v4.1: 1 of 1,549,982 alleles (0.000065%); highest among the groups gnomAD compares: Non-Finnish European, 0.000087%; no homozygotes.

Submission:

Ambry Genetics
Classification: Uncertain significance for Cardiovascular phenotype. Last evaluated: 2023-08-07. Review status: criteria provided, single submitter. Criteria: Ambry Variant Classification Scheme 2023. Collection method: clinical testing. Allele origin: germline.
Comment: The p.P560T variant (also known as c.1678C>A), located in coding exon 1 of the ZNF469 gene, results from a C to A substitution at nucleotide position 1678. The proline at codon 560 is replaced by threonine, an amino acid with highly similar properties. This amino acid position is conserved. In addition, this alteration is predicted to be tolerated by in silico analysis. Since supporting evidence is limited at this time, the clinical significance of this alteration remains unclear.

NM_001367624.2(ZNF469):c.1678C>A (p.Pro560Thr)

Gene: ZNF469 (zinc finger protein 469; plus strand). Cytogenetic location: 16q24.2.
Variant type: single nucleotide variant.
Coding change: c.1678C>A on transcript NM_001367624.2 (MANE Select); coding-DNA position 1678, C replaced by A.
Protein change: p.Pro560Thr; replaces proline 560 with threonine.
Molecular consequence: missense variant.
Genome position (GRCh38, 1-based): chr16:88,429,148, C>A. VCF-style: chr16-88429148-C-A. GRCh37 (hg19) VCF-style: chr16-88495556-C-A.
Other names: NM_001127464.1:c.1678C>A; short protein forms P560T.
Identifiers: ClinVar variation 2626131 (VCV002626131.2), dbSNP rs1375889992, ClinGen allele CA397068054.